The following is an entry in ClinVar:

ClinVar aggregate classification (germline): Uncertain significance. Review status: criteria provided, multiple submitters, no conflicts (2 of 4 stars). 2 submissions from 2 submitters: Uncertain significance (2). Last evaluated 2024-07-30.

Conditions:
Inborn genetic diseases. Identifiers: MedGen C0950123, MeSH D030342.
Congenital myasthenic syndrome 8. Also called: MYASTHENIC SYNDROME, CONGENITAL, DUE TO AGRIN DEFICIENCY; Myasthenic syndrome, congenital, 8, with pre- and postsynaptic defects. Identifiers: Orphanet 590, MedGen C3808739, MONDO:0014052, OMIM 615120.

Allele frequency attached by ClinVar (database versions not stated): gnomAD 0.00001; gnomAD exomes 0.00001 and 0.00004; ExAC 0.00002; TOPMed 0.00002.
gnomAD v4.1: 10 of 1,608,250 alleles (0.00062%); highest among the groups gnomAD compares: Admixed American, 0.013%; no homozygotes.

Submissions (2):

Ambry Genetics
Classification: Uncertain significance for Inborn genetic diseases. Last evaluated: 2024-07-30. Review status: criteria provided, single submitter. Criteria: Ambry Variant Classification Scheme 2023. Collection method: clinical testing. Allele origin: germline.

Labcorp Genetics (formerly Invitae), Labcorp
Classification: Uncertain significance for Congenital myasthenic syndrome 8. Last evaluated: 2022-06-20. Review status: criteria provided, single submitter. Criteria: Invitae Variant Classification Sherloc (09022015). Collection method: clinical testing. Allele origin: germline.
Comment: This sequence change replaces arginine, which is basic and polar, with lysine, which is basic and polar, at codon 426 of the AGRN protein (p.Arg426Lys). This variant is present in population databases (rs761799771, gnomAD 0.02%). This variant has not been reported in the literature in individuals affected with AGRN-related conditions. Algorithms developed to predict the effect of missense changes on protein structure and function output the following: SIFT: "Tolerated"; PolyPhen-2: "Benign"; Align-GVGD: "Class C0". The lysine amino acid residue is found in multiple mammalian species, which suggests that this missense change does not adversely affect protein function. Algorithms developed to predict the effect of sequence changes on RNA splicing suggest that this variant may disrupt the consensus splice site. In summary, the available evidence is currently insufficient to determine the role of this variant in disease. Therefore, it has been classified as a Variant of Uncertain Significance.

NM_198576.4(AGRN):c.1277G>A (p.Arg426Lys)

Gene: AGRN (agrin; plus strand). Cytogenetic location: 1p36.33.
Variant type: single nucleotide variant.
Coding change: c.1277G>A on transcript NM_198576.4 (MANE Select); coding-DNA position 1277, G replaced by A.
Protein change: p.Arg426Lys; replaces arginine 426 with lysine.
Molecular consequence: missense variant.
Genome position (GRCh38, 1-based): chr1:1,042,055, G>A. VCF-style: chr1-1042055-G-A. GRCh37 (hg19) VCF-style: chr1-977435-G-A.
Other names: c.1277G>A, p.Arg426Lys (NM_001305275.2); c.962G>A, p.Arg321Lys (NM_001364727.2); c.1277G>A (NM_198576.3); short protein forms R426K, R321K.
Identifiers: ClinVar variation 1449197 (VCV001449197.7), dbSNP rs761799771, ClinGen allele CA508098.